The following is an entry in ClinVar:

ClinVar aggregate classification (germline): Uncertain significance (1 of 4 stars; one submission).

Conditions:
Nemaline myopathy 2 (NEM2). Also called: Nemaline myopathy 2, autosomal recessive. Identifiers: MedGen C1850569, MONDO:0009725, OMIM 256030.

Allele frequency attached by ClinVar (database versions not stated): gnomAD exomes below 0.00001.
gnomAD v4.1: 1 of 1,612,684 alleles (0.000062%); highest among the groups gnomAD compares: Non-Finnish European, 0.000085%; no homozygotes.

Submission:

Labcorp Genetics (formerly Invitae), Labcorp
Classification: Uncertain significance for Nemaline myopathy 2. Last evaluated: 2021-05-07. Review status: criteria provided, single submitter. Criteria: Invitae Variant Classification Sherloc (09022015). Collection method: clinical testing. Allele origin: germline.
Comment: This sequence change replaces proline with serine at codon 5793 of the NEB protein (p.Pro5793Ser). The proline residue is moderately conserved and there is a moderate physicochemical difference between proline and serine. The frequency data for this variant in the population databases is considered unreliable, as metrics indicate poor data quality at this position in the ExAC database. This variant has not been reported in the literature in individuals with NEB-related conditions. Algorithms developed to predict the effect of missense changes on protein structure and function are either unavailable or do not agree on the potential impact of this missense change (SIFT: "Deleterious"; PolyPhen-2: "Not Available"; Align-GVGD: "Class C0"). In summary, the available evidence is currently insufficient to determine the role of this variant in disease. Therefore, it has been classified as a Variant of Uncertain Significance.

NM_001164508.2(NEB):c.17377C>T (p.Pro5793Ser)

Gene: NEB (nebulin; minus strand). Cytogenetic location: 2q23.3.
Variant type: single nucleotide variant.
Coding change: c.17377C>T on transcript NM_001164508.2 (MANE Select); coding-DNA position 17377, C replaced by T.
Protein change: p.Pro5793Ser; replaces proline 5793 with serine.
Molecular consequence: missense variant.
Genome position (GRCh38, 1-based): chr2:151,570,134, G>A on the plus strand (C>T on the coding strand, the complement: NEB is on the minus strand). VCF-style: chr2-151570134-G-A. GRCh37 (hg19) VCF-style: chr2-152426648-G-A.
Other names: c.17377C>T, p.Pro5793Ser (NM_001164507.2, NM_001271208.2); c.12274C>T, p.Pro4092Ser (NM_004543.5); short protein forms P5793S, P4092S.
Identifiers: ClinVar variation 2166600 (VCV002166600.1), dbSNP rs758782126, ClinGen allele CA1908240.